The following is an entry in ClinVar:

ClinVar aggregate classification (germline): Likely benign. Review status: criteria provided, multiple submitters, no conflicts (2 of 4 stars). 3 submissions from 3 submitters: Likely benign (3). Last evaluated 2026-08-01.

Conditions:
Inborn genetic diseases. Identifiers: MedGen C0950123, MeSH D030342.

Allele frequency attached by ClinVar (database versions not stated): ExAC 0.00003; gnomAD 0.00003 and 0.00004; gnomAD exomes 0.00003 and 0.00006; TOPMed 0.00007; ESP Exome Variant Server 0.00015; 1000 Genomes Project 0.00040; 1000 Genomes Project 30x 0.00047.
gnomAD v4.1: 52 of 1,614,192 alleles (0.0032%); highest among the groups gnomAD compares: Admixed American, 0.027%; no homozygotes.

Submissions (3):

CeGaT Center for Human Genetics Tuebingen
Classification: Likely benign. Last evaluated: 2026-08-01. Review status: criteria provided, single submitter. Criteria: CeGaT Center For Human Genetics Tuebingen Variant Classification Criteria Version 2. Collection method: clinical testing. Allele origin: germline. Affected: yes. Observed: 1 variant allele.
Comment: ARID1B: BP4, BP7

Labcorp Genetics (formerly Invitae), Labcorp
Classification: Likely benign. Last evaluated: 2026-02-02. Review status: criteria provided, single submitter. Criteria: Invitae Variant Classification Sherloc (09022015). Collection method: clinical testing. Allele origin: germline.

Ambry Genetics
Classification: Likely benign for Inborn genetic diseases. Last evaluated: 2016-12-19. Review status: criteria provided, single submitter. Criteria: Ambry Variant Classification Scheme 2023. Collection method: clinical testing. Allele origin: germline.

NM_001374828.1(ARID1B):c.4140C>T (p.Asn1380=)

Gene: ARID1B (AT-rich interaction domain 1B; plus strand). Cytogenetic location: 6q25.3.
Variant type: single nucleotide variant.
Coding change: c.4140C>T on transcript NM_001374828.1 (MANE Select); coding-DNA position 4140, C replaced by T.
Protein change: p.Asn1380=; no amino-acid change (asparagine 1380 retained).
Molecular consequence: synonymous variant.
Genome position (GRCh38, 1-based): chr6:157,190,119, C>T. VCF-style: chr6-157190119-C-T. GRCh37 (hg19) VCF-style: chr6-157511253-C-T.
Other names: c.3771C>T, p.Asn1257= (NM_020732.3); c.1641C>T, p.Asn547= (NM_001363725.2); c.4020C>T, p.Asn1340= (NM_001371656.1, NM_001374820.1); c.3981C>T, p.Asn1327= (NM_017519.3).
Identifiers: ClinVar variation 589477 (VCV000589477.14), dbSNP rs370523060, ClinGen allele CA4067531.